The following is an entry in ClinVar:

ClinVar aggregate classification (germline): Uncertain significance (1 of 4 stars; one submission).

Submission:

Ambry Genetics
Classification: Uncertain significance. Last evaluated: 2025-09-02. Review status: criteria provided, single submitter. Criteria: Ambry Variant Classification Scheme 2023. Collection method: clinical testing. Allele origin: germline.
Comment: The p.C393Y variant (also known as c.1178G>A), located in coding exon 12 of the SRP72 gene, results from a G to A substitution at nucleotide position 1178. The cysteine at codon 393 is replaced by tyrosine, an amino acid with highly dissimilar properties. This amino acid position is conserved. In addition, the in silico prediction for this alteration is inconclusive. Based on the available evidence, the clinical significance of this variant remains unclear.

NM_006947.4(SRP72):c.1178G>A (p.Cys393Tyr)

Gene: SRP72 (signal recognition particle 72; plus strand). Cytogenetic location: 4q12.
Variant type: single nucleotide variant.
Coding change: c.1178G>A on transcript NM_006947.4 (MANE Select); coding-DNA position 1178, G replaced by A.
Protein change: p.Cys393Tyr; replaces cysteine 393 with tyrosine.
Molecular consequence: missense variant. On other transcripts: non-coding transcript variant (1).
Genome position (GRCh38, 1-based): chr4:56,487,967, G>A. VCF-style: chr4-56487967-G-A. GRCh37 (hg19) VCF-style: chr4-57354133-G-A.
Other names: c.995G>A, p.Cys332Tyr (NM_001267722.2); short protein forms C393Y, C332Y.
Identifiers: ClinVar variation 4174983 (VCV004174983.1).